The following is an entry in ClinVar:

NM_000089.4(COL1A2):c.3490C>T (p.Arg1164Cys)

Gene: COL1A2 (collagen type I alpha 2 chain; plus strand). Cytogenetic location: 7q21.3.
Variant type: single nucleotide variant.
Coding change: c.3490C>T on transcript NM_000089.4 (MANE Select); coding-DNA position 3490, C replaced by T.
Protein change: p.Arg1164Cys; replaces arginine 1164 with cysteine.
Molecular consequence: missense variant.
Genome position (GRCh38, 1-based): chr7:94,427,849, C>T. VCF-style: chr7-94427849-C-T. GRCh37 (hg19) VCF-style: chr7-94057161-C-T.
Other names: short protein forms R1164C.
Identifiers: ClinVar variation 3761077 (VCV003761077.3).

ClinVar aggregate classification (germline): Uncertain significance. Review status: criteria provided, multiple submitters, no conflicts (2 of 4 stars). 2 submissions from 2 submitters: Uncertain significance (2). Last evaluated 2026-08-06.

Conditions:
Ehlers-Danlos syndrome, classic type, 1 (EDSCL1). Also called: EHLERS-DANLOS SYNDROME, GRAVIS TYPE; EHLERS-DANLOS SYNDROME, SEVERE CLASSIC TYPE; Ehlers-Danlos syndrome, type 1; EDS I; Ehlers-Danlos Syndrome, Classic Type, COL5A1-Related. Identifiers: MedGen C0268335, MONDO:0019567, OMIM 130000.
Osteogenesis imperfecta type I (OI1). Also called: OI, TYPE I; OSTEOGENESIS IMPERFECTA TARDA; OSTEOGENESIS IMPERFECTA WITH BLUE SCLERAE; Osteogenesis imperfecta type 1; Lobstein's Disease; Lobstein disease. Identifiers: Orphanet 216796, Orphanet 666, MedGen C0023931, MONDO:0008146, OMIM 166200. Disease mechanism: loss of function.
Osteoporosis. Identifiers: MedGen C0029456, MONDO:0005298, OMIM 166710, HP:0000939.

gnomAD v4.1: 13 of 1,613,984 alleles (0.00081%); highest among the groups gnomAD compares: Admixed American, 0.0017%; no homozygotes.

Submissions (2):

OLLIN Analises Genomicas, OLLIN
Classification: Uncertain significance for Osteoporosis. Last evaluated: 2026-08-06. Review status: criteria provided, single submitter. Criteria: ACMG Guidelines 2015 PMID 25741868. Collection method: clinical testing. Allele origin: germline. Inheritance: Autosomal dominant inheritance.
Comment: This missense variant, located in exon 49 (of 52), has been reported in ClinVar (accession VCV003761077.2) and in gnomAD with an allele frequency of 0.000805%. However, to our knowledge, it has not been reported in the scientific literature. In silico analysis predicts that this variant has a deleterious effect. This gene is constrained for missense variation. According to the currently available evidence, this variant has been classified as uncertain significance (PP2, PP3_M).

Labcorp Genetics (formerly Invitae), Labcorp
Classification: Uncertain significance for Osteogenesis imperfecta type I; Ehlers-Danlos syndrome, classic type, 1. Last evaluated: 2025-02-23. Review status: criteria provided, single submitter. Criteria: Invitae Variant Classification Sherloc (09022015). Collection method: clinical testing. Allele origin: germline.
Comment: This sequence change replaces arginine, which is basic and polar, with cysteine, which is neutral and slightly polar, at codon 1164 of the COL1A2 protein (p.Arg1164Cys). This variant is present in population databases (rs771979105, gnomAD 0.003%). This variant has not been reported in the literature in individuals affected with COL1A2-related conditions. Invitae Evidence Modeling of protein sequence and biophysical properties (such as structural, functional, and spatial information, amino acid conservation, physicochemical variation, residue mobility, and thermodynamic stability) indicates that this missense variant is expected to disrupt COL1A2 protein function with a positive predictive value of 95%. In summary, the available evidence is currently insufficient to determine the role of this variant in disease. Therefore, it has been classified as a Variant of Uncertain Significance.